The following is an entry in ClinVar:

ClinVar aggregate classification (germline): Pathogenic (1 of 4 stars; one submission).

Conditions:
Glycine encephalopathy. Also called: Non-ketotic hyperglycinemia; Nonketotic hyperglycinemia. Identifiers: Orphanet 407, MedGen C0751748, MONDO:0011612, HP:0008288.

Submission:

Labcorp Genetics (formerly Invitae), Labcorp
Classification: Pathogenic for Glycine encephalopathy. Last evaluated: 2021-08-16. Review status: criteria provided, single submitter. Criteria: Invitae Variant Classification Sherloc (09022015). Collection method: clinical testing. Allele origin: germline.
Comment: This variant is a gross deletion of the genomic region encompassing exon(s) 4-9 of the AMT gene, which includes the termination codon. This deletion extends beyond the assayed region for this gene and therefore may encompass additional genes. While this deletion is not anticipated to lead to nonsense mediated decay, it is expected to alter mRNA translation or result in a truncated protein product. This variant has not been reported in the literature in individuals affected with AMT-related conditions. This variant disrupts a region of the AMT protein in which other variant(s) (p.Arg331Gln) have been determined to be pathogenic (PMID: 27362913). This suggests that this is a clinically significant region of the protein, and that variants that disrupt it are likely to be disease-causing. For these reasons, this variant has been classified as Pathogenic.

Literature cited by the submitters: PubMed 27362913.

NC_000003.11:g.(?_49454201)_(49457785_?)del

Gene: AMT (aminomethyltransferase; minus strand). Cytogenetic location: 3p21.31.
Variant type: Deletion.
Identifiers: ClinVar variation 1455011 (VCV001455011.7).